The following is an entry in ClinVar:

ClinVar aggregate classification (germline): Uncertain significance (1 of 4 stars; one submission).

Conditions:
TTN-related disorder. Also called: TTN-related disorders; TTN-related condition; TTN-related disease.

Submission:

PreventionGenetics, part of Exact Sciences
Classification: Uncertain significance for TTN-related condition. Last evaluated: 2026-06-30. Review status: criteria provided, single submitter. Criteria: ACMG Guidelines, 2015. Collection method: clinical testing. Allele origin: germline.
Comment: The TTN c.38458G>A variant is predicted to result in the amino acid substitution p.Val12820Ile. To our knowledge, this variant has not been reported in the literature. This variant is reported in 0.12% of alleles in individuals of African descent in gnomAD. Although we suspect that this variant may be benign, at this time, the clinical significance of this variant is uncertain due to the absence of conclusive functional and genetic evidence.

NM_001267550.2(TTN):c.38458G>A (p.Val12820Ile)

Gene: TTN (titin; minus strand). Cytogenetic location: 2q31.2.
Variant type: single nucleotide variant.
Coding change: c.38458G>A on transcript NM_001267550.2 (MANE Select); coding-DNA position 38458, G replaced by A.
Protein change: p.Val12820Ile; replaces valine 12820 with isoleucine.
Molecular consequence: missense variant. On other transcripts: intron variant (5).
Genome position (GRCh38, 1-based): chr2:178,654,018, C>T on the plus strand (G>A on the coding strand, the complement: TTN is on the minus strand). VCF-style: chr2-178654018-C-T. GRCh37 (hg19) VCF-style: chr2-179518745-C-T.
Other names: c.13283-11701G>A (NM_003319.4); c.13859-11701G>A (NM_133437.4); c.13658-11701G>A (NM_133432.3); c.31742-1477G>A (NM_133378.4); c.34523-1477G>A (NM_001256850.1); short protein forms V12820I.
Identifiers: ClinVar variation 4982944 (VCV004982944.1).
Genomic context (GRCh38, chr2:178,654,018, plus strand): 5'-TTCAGGAATGGAAGAGAGATTTCTTCTGCAGGATAAGGTTGAGCTGACATGTACCTGTAA[C>T]TGCGGGGGCTTCTGGTTTTTTGATTGGTGCCTTGGGAATTTTCTTTTCTGGGACAACTTC-3'
Protein context (NP_001254479.2, residues 12810-12830): APIKKPEAPA[Val12820Ile]TVPEVPQEAA